The following is an entry in ClinVar:

NM_012470.4(TNPO3):c.130T>C (p.Trp44Arg)

Gene: TNPO3 (transportin 3; minus strand). Cytogenetic location: 7q32.1.
Variant type: single nucleotide variant.
Coding change: c.130T>C on transcript NM_012470.4 (MANE Select); coding-DNA position 130, T replaced by C.
Protein change: p.Trp44Arg; replaces tryptophan 44 with arginine.
Molecular consequence: missense variant. On other transcripts: non-coding transcript variant (18).
Genome position (GRCh38, 1-based): chr7:129,018,148, A>G on the plus strand (T>C on the coding strand, the complement: TNPO3 is on the minus strand). VCF-style: chr7-129018148-A-G. GRCh37 (hg19) VCF-style: chr7-128658202-A-G.
Other names: c.130T>C, p.Trp44Arg (NM_001191028.3, NM_001382216.1, NM_001382217.1 and 6 more transcripts); short protein forms W44R.
Identifiers: ClinVar variation 1163473 (VCV001163473.7), dbSNP rs2150437358, ClinGen allele CA369249314.

ClinVar aggregate classification (germline): Uncertain significance. Review status: criteria provided, multiple submitters, no conflicts (2 of 4 stars). 2 submissions from 2 submitters: Uncertain significance (2). Last evaluated 2024-12-25.

Conditions:
Autosomal dominant limb-girdle muscular dystrophy type 1F (LGMDD2). Also called: Limb-girdle muscular dystrophy, type 1F; MUSCULAR DYSTROPHY, LIMB-GIRDLE, AUTOSOMAL DOMINANT 2. Identifiers: Orphanet 55595, MedGen C1842062, MONDO:0012034, OMIM 608423.

Submissions (2):

Labcorp Genetics (formerly Invitae), Labcorp
Classification: Uncertain significance for Autosomal dominant limb-girdle muscular dystrophy type 1F. Last evaluated: 2024-12-25. Review status: criteria provided, single submitter. Criteria: Invitae Variant Classification Sherloc (09022015). Collection method: clinical testing. Allele origin: germline.
Comment: This sequence change replaces tryptophan, which is neutral and slightly polar, with arginine, which is basic and polar, at codon 44 of the TNPO3 protein (p.Trp44Arg). This variant is not present in population databases (gnomAD no frequency). This variant has not been reported in the literature in individuals affected with TNPO3-related conditions. ClinVar contains an entry for this variant (Variation ID: 1163473). Invitae Evidence Modeling of protein sequence and biophysical properties (such as structural, functional, and spatial information, amino acid conservation, physicochemical variation, residue mobility, and thermodynamic stability) indicates that this missense variant is expected to disrupt TNPO3 protein function with a positive predictive value of 80%. In summary, the available evidence is currently insufficient to determine the role of this variant in disease. Therefore, it has been classified as a Variant of Uncertain Significance.

Mayo Clinic Laboratories, Mayo Clinic
Classification: Uncertain significance. Last evaluated: 2020-04-29. Review status: criteria provided, single submitter. Criteria: ACMG Guidelines, 2015. Collection method: clinical testing. Allele origin: germline. Observed: 1 variant allele.